The following is an entry in ClinVar:

ClinVar aggregate classification (germline): Uncertain significance. Review status: criteria provided, multiple submitters, no conflicts (2 of 4 stars). 3 submissions from 3 submitters: Uncertain significance (3). Last evaluated 2026-06-09.

Conditions:
Niemann-Pick disease, type C1. Also called: NIEMANN-PICK DISEASE, VARIANT TYPE C1; NEUROVISCERAL STORAGE DISEASE WITH VERTICAL SUPRANUCLEAR OPHTHALMOPLEGIA; NIEMANN-PICK DISEASE WITH CHOLESTEROL ESTERIFICATION BLOCK; NIEMANN-PICK DISEASE WITHOUT SPHINGOMYELINASE DEFICIENCY; NIEMANN-PICK DISEASE, CHRONIC NEURONOPATHIC FORM. Identifiers: Orphanet 646, MedGen C3179455, MONDO:0009757, OMIM 257220.

Allele frequency attached by ClinVar (database versions not stated): gnomAD exomes below 0.00001.
gnomAD v4.1: 2 of 1,614,208 alleles (0.00012%); highest among the groups gnomAD compares: East Asian, 0.0022%; no homozygotes.

Submissions (3):

Myriad Genetics, Inc.
Classification: Uncertain significance for Niemann-Pick disease, type C1. Last evaluated: 2026-06-09. Review status: criteria provided, single submitter. Criteria: Myriad Autosomal Dominant, Autosomal Recessive and X-Linked Classification Criteria (2023). Collection method: clinical testing. Allele origin: unknown.
Comment: NM_000271.4(NPC1):c.2767A>G(I923V) is a missense variant classified as a variant of uncertain significance in the context of Niemann-Pick disease type C1. I923V has been observed in cases with relevant disease (PMID: 19744920, 29197565, 41593770). Relevant functional assessments of this variant are not available in the literature. I923V has not been observed in referenced population frequency databases. In summary, there is insufficient evidence to classify NM_000271.4(NPC1):c.2767A>G(I923V) as pathogenic or benign. Please note: this variant was assessed in the context of healthy population screening.

Genetics and Genomic Medicine Centre, NeuroGen Healthcare, NeuroGen Healthcare
Classification: Uncertain significance for Niemann-Pick disease, type C1. Last evaluated: 2025-09-27. Review status: criteria provided, single submitter. Criteria: ACMG Guidelines, 2015. Collection method: clinical testing. Allele origin: unknown. Affected: yes.

Labcorp Genetics (formerly Invitae), Labcorp
Classification: Uncertain significance for Niemann-Pick disease, type C1. Last evaluated: 2022-02-03. Review status: criteria provided, single submitter. Criteria: Invitae Variant Classification Sherloc (09022015). Collection method: clinical testing. Allele origin: germline.
Comment: This sequence change replaces isoleucine, which is neutral and non-polar, with valine, which is neutral and non-polar, at codon 923 of the NPC1 protein (p.Ile923Val). This variant is not present in population databases (gnomAD no frequency). This missense change has been observed in individuals with Niemann-Pick type I disease (PMID: 19744920; Invitae). ClinVar contains an entry for this variant (Variation ID: 863860). Advanced modeling of protein sequence and biophysical properties (such as structural, functional, and spatial information, amino acid conservation, physicochemical variation, residue mobility, and thermodynamic stability) performed at Invitae indicates that this missense variant is not expected to disrupt NPC1 protein function. Algorithms developed to predict the effect of sequence changes on RNA splicing suggest that this variant may create or strengthen a splice site. In summary, the available evidence is currently insufficient to determine the role of this variant in disease. Therefore, it has been classified as a Variant of Uncertain Significance.

Literature cited by the submitters: PubMed 19744920 (cited by Myriad Genetics, Inc. and Labcorp Genetics (formerly Invitae), Labcorp); PubMed 29197565 (cited by Myriad Genetics, Inc.); PubMed 41593770 (cited by Myriad Genetics, Inc.).

NM_000271.5(NPC1):c.2767A>G (p.Ile923Val)

Gene: NPC1 (NPC intracellular cholesterol transporter 1; minus strand). Cytogenetic location: 18q11.2.
Variant type: single nucleotide variant.
Coding change: c.2767A>G on transcript NM_000271.5 (MANE Select); coding-DNA position 2767, A replaced by G.
Protein change: p.Ile923Val; replaces isoleucine 923 with valine.
Molecular consequence: missense variant.
Genome position (GRCh38, 1-based): chr18:23,539,839, T>C on the plus strand (A>G on the coding strand, the complement: NPC1 is on the minus strand). VCF-style: chr18-23539839-T-C. GRCh37 (hg19) VCF-style: chr18-21119803-T-C.
Other names: short protein forms I923V.
Identifiers: ClinVar variation 863860 (VCV000863860.8), dbSNP rs2058687030, ClinGen allele CA401792687.